The following is an entry in ClinVar:

ClinVar aggregate classification (germline): Likely benign (1 of 4 stars; one submission).

Conditions:
Joubert syndrome 15 (JBTS15). Identifiers: Orphanet 475, MedGen C3280897, MONDO:0013763, OMIM 614464.

Allele frequency attached by ClinVar (database versions not stated): gnomAD 0.00026 and 0.00036; TOPMed 0.00026; 1000 Genomes Project 0.00060; 1000 Genomes Project 30x 0.00062; gnomAD exomes 0.00134 and 0.00167; ExAC 0.00390.
gnomAD v4.1: 548 of 456,390 alleles (0.12%); highest among the groups gnomAD compares: South Asian, 0.63%; 7 homozygotes.

Submission:

Illumina Laboratory Services, Illumina
Classification: Likely benign for Joubert syndrome 15. Last evaluated: 2018-01-13. Review status: criteria provided, single submitter. Criteria: ICSL Variant Classification Criteria 13 December 2019. Collection method: clinical testing. Allele origin: germline.
Comment: This variant was observed in the ICSL laboratory as part of a predisposition screen in an ostensibly healthy population. It had not been previously curated by ICSL or reported in the Human Gene Mutation Database (HGMD: prior to June 1st, 2018), and was therefore a candidate for classification through an automated scoring system. Utilizing variant allele frequency, disease prevalence and penetrance estimates, and inheritance mode, an automated score was calculated to assess if this variant is too frequent to cause the disease. Based on the score and internal cut-off values, a variant classified as likely benign is not then subjected to further curation. The score for this variant resulted in a classification of likely benign for this disease.

NM_018718.3(CEP41):c.*392G>A

Gene: CEP41 (centrosomal protein 41; minus strand). Cytogenetic location: 7q32.2.
Variant type: single nucleotide variant.
Coding change: c.*392G>A on transcript NM_018718.3 (MANE Select); 392 bases downstream of the stop codon, G replaced by A.
Molecular consequence: 3 prime UTR variant. On other transcripts: non-coding transcript variant (1).
Genome position (GRCh38, 1-based): chr7:130,398,499, C>T on the plus strand (G>A on the coding strand, the complement: CEP41 is on the minus strand). VCF-style: chr7-130398499-C-T. GRCh37 (hg19) VCF-style: chr7-130038340-C-T.
Other names: c.*392G>A (NM_001257158.2, NM_001257159.2).
Identifiers: ClinVar variation 911103 (VCV000911103.4), dbSNP rs528501184, ClinGen allele CA4485314.